The following is an entry in ClinVar:

ClinVar aggregate classification (germline): Benign (1 of 4 stars; one submission).

Conditions:
Neurodegeneration with brain iron accumulation 4 (NBIA4). Also called: MITOCHONDRIAL PROTEIN-ASSOCIATED NEURODEGENERATION. Identifiers: Orphanet 289560, MedGen C3280371, MONDO:0013674, OMIM 614298. Disease mechanism: loss of function.

Allele frequency attached by ClinVar (database versions not stated): ExAC 0.07287; gnomAD exomes 0.07638 and 0.07814; 1000 Genomes Project 0.13758; 1000 Genomes Project 30x 0.14475; TOPMed 0.15014.
gnomAD v4.1: 44,155 of 450,000 alleles (9.8%); highest among the groups gnomAD compares: African/African-American, 32%; 3,736 homozygotes.

Submission:

Illumina Laboratory Services, Illumina
Classification: Benign for Neurodegeneration with brain iron accumulation 4. Last evaluated: 2018-01-12. Review status: criteria provided, single submitter. Criteria: ICSL Variant Classification Criteria 13 December 2019. Collection method: clinical testing. Allele origin: germline.
Comment: This variant was observed in the ICSL laboratory as part of a predisposition screen in an ostensibly healthy population. It had not been previously curated by ICSL or reported in the Human Gene Mutation Database (HGMD: prior to June 1st, 2018), and was therefore a candidate for classification through an automated scoring system. Utilizing variant allele frequency, disease prevalence and penetrance estimates, and inheritance mode, an automated score was calculated to assess if this variant is too frequent to cause the disease. Based on the score and internal cut-off values, a variant classified as benign is not then subjected to further curation. The score for this variant resulted in a classification of benign for this disease.

NM_031448.6(C19orf12):c.*3463G>A

Gene: C19orf12 (chromosome 19 open reading frame 12; minus strand). Cytogenetic location: 19q12.
Variant type: single nucleotide variant.
Coding change: c.*3463G>A on transcript NM_031448.6 (MANE Select); 3463 bases downstream of the stop codon, G replaced by A.
Molecular consequence: 3 prime UTR variant.
Genome position (GRCh38, 1-based): chr19:29,699,249, C>T on the plus strand (G>A on the coding strand, the complement: C19orf12 is on the minus strand). VCF-style: chr19-29699249-C-T. GRCh37 (hg19) VCF-style: chr19-30190156-C-T.
Other names: c.*3463G>A (NM_001031726.4, NM_001256047.2, NM_001282929.1 and 2 more transcripts); c.*3510G>A (NM_001256046.3).
Identifiers: ClinVar variation 328659 (VCV000328659.5), dbSNP rs150123154, ClinGen allele CA9351612.
Genomic context (GRCh38, chr19:29,699,249, plus strand): 5'-CGGGCGCAGTGGCTCACGCCTGTAATCCCAGCACTTTGGGAGGCTGAGGTGGGCAGATCA[C>T]GAGGTAAGGAGATTGAGACCATCCTGGCTAACATGGTGAAACCCCGTCTCTACTAAAAAT-3'